The following is an entry in ClinVar:

ClinVar aggregate classification (germline): Pathogenic (1 of 4 stars; one submission).

Conditions:
Fetal akinesia deformation sequence 1 (FADS1). Also called: Pena-Shokeir syndrome type I; Fetal akinesia sequence. Identifiers: Orphanet 994, MedGen C1276035, MONDO:0100101, OMIM 208150, HP:0001989.
Congenital myasthenic syndrome 10. Also called: Myasthenia, limb-girdle, familial. Identifiers: Orphanet 590, MedGen C1850792, MONDO:0009690, OMIM 254300.

Submission:

Labcorp Genetics (formerly Invitae), Labcorp
Classification: Pathogenic for Congenital myasthenic syndrome 10; Fetal akinesia deformation sequence 1. Last evaluated: 2024-07-29. Review status: criteria provided, single submitter. Criteria: Invitae Variant Classification Sherloc (09022015). Collection method: clinical testing. Allele origin: germline.
Comment: This sequence change creates a premature translational stop signal (p.Lys320*) in the DOK7 gene. While this is not anticipated to result in nonsense mediated decay, it is expected to disrupt the last 185 amino acid(s) of the DOK7 protein. This variant is not present in population databases (gnomAD no frequency). This variant has not been reported in the literature in individuals affected with DOK7-related conditions. This variant disrupts a region of the DOK7 protein in which other variant(s) (p.Pro486Argfs*15) have been determined to be pathogenic (PMID: 29118959). This suggests that this is a clinically significant region of the protein, and that variants that disrupt it are likely to be disease-causing. For these reasons, this variant has been classified as Pathogenic.

Literature cited by the submitters: PubMed 29118959.

NM_173660.5(DOK7):c.958A>T (p.Lys320Ter)

Gene: DOK7 (docking protein 7; plus strand). Cytogenetic location: 4p16.3.
Variant type: single nucleotide variant.
Coding change: c.958A>T on transcript NM_173660.5 (MANE Select); coding-DNA position 958, A replaced by T.
Protein change: p.Lys320Ter; replaces lysine 320 with a stop codon.
Molecular consequence: nonsense. On other transcripts: 3 prime UTR variant (1).
Genome position (GRCh38, 1-based): chr4:3,492,944, A>T. VCF-style: chr4-3492944-A-T. GRCh37 (hg19) VCF-style: chr4-3494671-A-T.
Other names: c.*179A>T (NM_001164673.2); c.28A>T, p.Lys10Ter (NM_001256896.2); c.958A>T, p.Lys320Ter (NM_001301071.2); c.526A>T, p.Lys176Ter (NM_001363811.2); short protein forms K10*, K176*, K320*.
Identifiers: ClinVar variation 2954022 (VCV002954022.3), dbSNP rs776722884, ClinGen allele CA356116503.